The following is an entry in ClinVar:

ClinVar aggregate classification (germline): Uncertain significance. Review status: criteria provided, multiple submitters, no conflicts (2 of 4 stars). 2 submissions from 2 submitters: Uncertain significance (2). Last evaluated 2024-01-15.

Conditions:
Cardiovascular phenotype. Identifiers: MedGen CN230736.

Allele frequency attached by ClinVar (database versions not stated): gnomAD exomes below 0.00001; gnomAD 0.00001; TOPMed 0.00001.
gnomAD v4.1: 3 of 1,614,034 alleles (0.00019%); highest among the groups gnomAD compares: Non-Finnish European, 0.00025%; no homozygotes.

Submissions (2):

Women's Health and Genetics/Laboratory Corporation of America, LabCorp
Classification: Uncertain significance. Last evaluated: 2024-01-15. Review status: criteria provided, single submitter. Criteria: LabCorp Variant Classification Summary - May 2015. Collection method: clinical testing. Allele origin: germline.

Ambry Genetics
Classification: Uncertain significance for Cardiovascular phenotype. Last evaluated: 2023-05-27. Review status: criteria provided, single submitter. Criteria: Ambry Variant Classification Scheme 2023. Collection method: clinical testing. Allele origin: germline.
Comment: The p.Q104R variant (also known as c.311A>G), located in coding exon 3 of the EFEMP2 gene, results from an A to G substitution at nucleotide position 311. The glutamine at codon 104 is replaced by arginine, an amino acid with highly similar properties. This amino acid position is conserved. In addition, this alteration is predicted to be tolerated by in silico analysis. Since supporting evidence is limited at this time, the clinical significance of this alteration remains unclear.

NM_016938.5(EFEMP2):c.311A>G (p.Gln104Arg)

Gene: EFEMP2 (EGF containing fibulin extracellular matrix protein 2; minus strand). Cytogenetic location: 11q13.1.
Variant type: single nucleotide variant.
Coding change: c.311A>G on transcript NM_016938.5 (MANE Select); coding-DNA position 311, A replaced by G.
Protein change: p.Gln104Arg; replaces glutamine 104 with arginine.
Molecular consequence: missense variant. On other transcripts: non-coding transcript variant (1).
Genome position (GRCh38, 1-based): chr11:65,871,213, T>C on the plus strand (A>G on the coding strand, the complement: EFEMP2 is on the minus strand). VCF-style: chr11-65871213-T-C. GRCh37 (hg19) VCF-style: chr11-65638684-T-C.
Other names: short protein forms Q104R.
Identifiers: ClinVar variation 2561721 (VCV002561721.3), dbSNP rs201593221, ClinGen allele CA223978343.
Genomic context (GRCh38, chr11:65,871,213, plus strand): 5'-TCACCCACACAGCTGTCCTGATCGTCGGGCTCATAGCCTGGTGGGCAGGGGTTGGGGTGT[T>C]GAGCGGGAGGCACTGGTGGCGGGGGTCCCTCGCCGTGTAGGTCGTTGATGACGGCAGCGG-3'
Protein context (NP_058634.4, residues 94-114): EGPPPPVPPA[Gln104Arg]HPNPCPPGYE